The following is an entry in ClinVar:

NM_001183.6(ATP6AP1):c.379G>C (p.Ala127Pro)

Gene: ATP6AP1 (ATPase H+ transporting accessory protein 1; plus strand). Cytogenetic location: Xq28.
Variant type: single nucleotide variant.
Coding change: c.379G>C on transcript NM_001183.6 (MANE Select); coding-DNA position 379, G replaced by C.
Protein change: p.Ala127Pro; replaces alanine 127 with proline.
Molecular consequence: missense variant.
Genome position (GRCh38, 1-based): chrX:154,432,281, G>C. VCF-style: chrX-154432281-G-C. GRCh37 (hg19) VCF-style: chrX-153660627-G-C.
Other names: short protein forms A127P.
Identifiers: ClinVar variation 1311985 (VCV001311985.2), dbSNP rs2148223321, ClinGen allele CA415189261.

ClinVar aggregate classification (germline): Uncertain significance (1 of 4 stars; one submission).

gnomAD v4.1: 1 of 1,205,999 alleles (0.000083%); highest among the groups gnomAD compares: Non-Finnish European, 0.00011%; no homozygotes.

Submission:

GeneDx
Classification: Uncertain significance. Last evaluated: 2020-01-06. Review status: criteria provided, single submitter. Criteria: GeneDx Variant Classification Process June 2021. Collection method: clinical testing. Allele origin: germline. Affected: yes.
Comment: Not observed in large population cohorts (Lek et al., 2016); In silico analysis, which includes protein predictors and evolutionary conservation, supports a deleterious effect; Has not been previously published as pathogenic or benign to our knowledge